The following is an entry in ClinVar:

ClinVar aggregate classification (germline): Uncertain significance (1 of 4 stars; one submission).

Conditions:
Deficiency of malonyl-CoA decarboxylase. Also called: Malonic aciduria; MCD deficiency. Identifiers: Orphanet 943, MedGen C0342793, MONDO:0009556, OMIM 248360.

Allele frequency attached by ClinVar (database versions not stated): gnomAD exomes below 0.00001.
gnomAD v4.1: 2 of 1,556,516 alleles (0.00013%); highest among the groups gnomAD compares: Non-Finnish European, 0.00017%; no homozygotes.

Submission:

Labcorp Genetics (formerly Invitae), Labcorp
Classification: Uncertain significance for Deficiency of malonyl-CoA decarboxylase. Last evaluated: 2022-07-19. Review status: criteria provided, single submitter. Criteria: Invitae Variant Classification Sherloc (09022015). Collection method: clinical testing. Allele origin: germline.
Comment: This sequence change replaces alanine, which is neutral and non-polar, with glycine, which is neutral and non-polar, at codon 164 of the MLYCD protein (p.Ala164Gly). This variant is not present in population databases (gnomAD no frequency). This variant has not been reported in the literature in individuals affected with MLYCD-related conditions. ClinVar contains an entry for this variant (Variation ID: 1428823). Advanced modeling of protein sequence and biophysical properties (such as structural, functional, and spatial information, amino acid conservation, physicochemical variation, residue mobility, and thermodynamic stability) performed at Invitae indicates that this missense variant is expected to disrupt MLYCD protein function. In summary, the available evidence is currently insufficient to determine the role of this variant in disease. Therefore, it has been classified as a Variant of Uncertain Significance.

NM_012213.3(MLYCD):c.491C>G (p.Ala164Gly)

Genes: MLYCD (malonyl-CoA decarboxylase; plus strand), LOC130059555 (ATAC-STARR-seq lymphoblastoid silent region 7770; plus strand). Cytogenetic location: 16q23.3.
Variant type: single nucleotide variant.
Coding change: c.491C>G on transcript NM_012213.3 (MANE Select); coding-DNA position 491, C replaced by G.
Protein change: p.Ala164Gly; replaces alanine 164 with glycine.
Molecular consequence: missense variant.
Genome position (GRCh38, 1-based): chr16:83,899,635, C>G. VCF-style: chr16-83899635-C-G. GRCh37 (hg19) VCF-style: chr16-83933240-C-G.
Other names: short protein forms A164G.
Identifiers: ClinVar variation 1428823 (VCV001428823.6), dbSNP rs1044258796, ClinGen allele CA285421701.